The following is an entry in ClinVar:

ClinVar aggregate classification (germline): Uncertain significance (1 of 4 stars; one submission).

Conditions:
Noonan syndrome 8 (NS8). Identifiers: Orphanet 648, MedGen C3809233, MONDO:0014143, OMIM 615355.

Submission:

Labcorp Genetics (formerly Invitae), Labcorp
Classification: Uncertain significance for Noonan syndrome 8. Last evaluated: 2024-04-09. Review status: criteria provided, single submitter. Criteria: Invitae Variant Classification Sherloc (09022015). Collection method: clinical testing. Allele origin: germline.
Comment: This sequence change replaces leucine, which is neutral and non-polar, with arginine, which is basic and polar, at codon 18 of the RIT1 protein (p.Leu18Arg). This variant is not present in population databases (gnomAD no frequency). This variant has not been reported in the literature in individuals affected with RIT1-related conditions. Advanced modeling of protein sequence and biophysical properties (such as structural, functional, and spatial information, amino acid conservation, physicochemical variation, residue mobility, and thermodynamic stability) performed at Invitae indicates that this missense variant is not expected to disrupt RIT1 protein function with a negative predictive value of 95%. In summary, the available evidence is currently insufficient to determine the role of this variant in disease. Therefore, it has been classified as a Variant of Uncertain Significance.

NM_006912.6(RIT1):c.53T>G (p.Leu18Arg)

Gene: RIT1 (Ras like without CAAX 1; minus strand). Cytogenetic location: 1q22.
Variant type: single nucleotide variant.
Coding change: c.53T>G on transcript NM_006912.6 (MANE Select); coding-DNA position 53, T replaced by G.
Protein change: p.Leu18Arg; replaces leucine 18 with arginine.
Molecular consequence: missense variant. On other transcripts: intron variant (1).
Genome position (GRCh38, 1-based): chr1:155,910,709, A>C on the plus strand (T>G on the coding strand, the complement: RIT1 is on the minus strand). VCF-style: chr1-155910709-A-C. GRCh37 (hg19) VCF-style: chr1-155880500-A-C.
Other names: c.104T>G, p.Leu35Arg (NM_001256821.2); c.-2-203T>G (NM_001256820.2); short protein forms L18R, L35R.
Identifiers: ClinVar variation 3633619 (VCV003633619.2).
Genomic context (GRCh38, chr1:155,910,709, plus strand): 5'-TACCTACCACTCTTCCCTACACCACCAGCACCCAGCATCACTAGTTTGTACTCCCGTGAG[A>C]GCCCAGCGGGGCTGCTACAGCAGCTACCAACTGGGCGAGTTCCAGAATCCATTGTCCTCT-3'
Protein context (NP_008843.1, residues 8-28): VGSCCSSPAG[Leu18Arg]SREYKLVMLG